The following is an entry in ClinVar:

ClinVar aggregate classification (germline): Uncertain significance. Review status: criteria provided, multiple submitters, no conflicts (2 of 4 stars). 4 submissions from 4 submitters: Uncertain significance (3). 1 of the submissions does not count toward it. Last evaluated 2024-09-23.

Conditions:
Nemaline myopathy 2 (NEM2). Also called: Nemaline myopathy 2, autosomal recessive. Identifiers: MedGen C1850569, MONDO:0009725, OMIM 256030.

Allele frequency attached by ClinVar (database versions not stated): gnomAD exomes below 0.00001 and 0.00003; TOPMed 0.00004; ExAC 0.00015; 1000 Genomes Project 0.00060; 1000 Genomes Project 30x 0.00078.
gnomAD v4.1: 30 of 1,581,362 alleles (0.0019%); highest among the groups gnomAD compares: African/African-American, 0.026%; no homozygotes.

Submissions (4):

GeneDx
Classification: Uncertain significance. Last evaluated: 2024-09-23. Review status: criteria provided, single submitter. Criteria: GeneDx Variant Classification Process June 2021. Collection method: clinical testing. Allele origin: germline. Affected: yes.
Comment: In silico analysis supports that this missense variant has a deleterious effect on protein structure/function; Has not been previously published as pathogenic or benign to our knowledge

Revvity Omics, Revvity
Classification: Uncertain significance. Last evaluated: 2023-01-03. Review status: criteria provided, single submitter. Criteria: ACMG Guidelines, 2015. Collection method: clinical testing. Allele origin: germline.

Labcorp Genetics (formerly Invitae), Labcorp
Classification: Uncertain significance for Nemaline myopathy 2. Last evaluated: 2022-10-13. Review status: criteria provided, single submitter. Criteria: Invitae Variant Classification Sherloc (09022015). Collection method: clinical testing. Allele origin: germline.
Comment: This sequence change replaces proline, which is neutral and non-polar, with leucine, which is neutral and non-polar, at codon 8152 of the NEB protein (p.Pro8152Leu). This variant is present in population databases (rs541150975, gnomAD 0.04%). This variant has not been reported in the literature in individuals affected with NEB-related conditions. ClinVar contains an entry for this variant (Variation ID: 567606). Algorithms developed to predict the effect of missense changes on protein structure and function are either unavailable or do not agree on the potential impact of this missense change (SIFT: "Deleterious"; PolyPhen-2: "Not Available"; Align-GVGD: "Class C0"). In summary, the available evidence is currently insufficient to determine the role of this variant in disease. Therefore, it has been classified as a Variant of Uncertain Significance.

Natera, Inc.
Classification: Uncertain significance for Nemaline myopathy type 2. Last evaluated: 2019-11-11. Review status: no assertion criteria provided. Collection method: clinical testing. Allele origin: germline. Not counted in ClinVar's aggregate classification.

NM_001164508.2(NEB):c.24350C>T (p.Pro8117Leu)

Genes: NEB (nebulin; minus strand), RIF1 (replication timing regulatory factor 1; plus strand). Cytogenetic location: 2q23.3.
Variant type: single nucleotide variant.
Coding change: c.24350C>T on transcript NM_001164508.2 (MANE Select); coding-DNA position 24350, C replaced by T.
Protein change: p.Pro8117Leu; replaces proline 8117 with leucine.
Molecular consequence: missense variant. On other transcripts: intron variant (1).
Genome position (GRCh38, 1-based): chr2:151,496,984, G>A on the plus strand (C>T on the coding strand, the complement: NEB is on the minus strand). VCF-style: chr2-151496984-G-A. GRCh37 (hg19) VCF-style: chr2-152353498-G-A.
Other names: c.24350C>T, p.Pro8117Leu (NM_001164507.2); c.24455C>T, p.Pro8152Leu (NM_001271208.2); c.18826-616C>T (NM_004543.5); short protein forms P8152L, P8117L.
Identifiers: ClinVar variation 567606 (VCV000567606.13), dbSNP rs541150975, ClinGen allele CA1906082.
Genomic context (GRCh38, chr2:151,496,984, plus strand): 5'-TTTTCTTGCCCAAGTACCGAGCTAATATTTTCTTGATTGTGTTTGACTCTCTCCATCTCA[G>A]GAGTGACAGGTAGAGGGGTTCCCTTGCCCATGTTTTCTTTGTATAACACCTGTGCGATAA-3'
Protein context (NP_001157980.2, residues 8107-8127): MGKGTPLPVT[Pro8117Leu]EMERVKHNQE